The following is an entry in ClinVar:

ClinVar aggregate classification (germline): Uncertain significance (1 of 4 stars; one submission).

gnomAD v4.1: 1 of 1,178,706 alleles (0.000085%); highest among the groups gnomAD compares: Non-Finnish European, 0.00011%; no homozygotes.

Submission:

GeneDx
Classification: Uncertain significance. Last evaluated: 2025-02-24. Review status: criteria provided, single submitter. Criteria: GeneDx Variant Classification Process June 2021. Collection method: clinical testing. Allele origin: germline. Affected: yes.
Comment: Not observed at significant frequency in large population cohorts (gnomAD); Nonsense variant predicted to result in protein truncation as the last 8 amino acid(s) are lost with an unclear effect on protein function; Has not been previously published as pathogenic or benign to our knowledge

NM_004187.5(KDM5C):c.4657C>T (p.Gln1553Ter)

Gene: KDM5C (lysine demethylase 5C; minus strand). Cytogenetic location: Xp11.22.
Variant type: single nucleotide variant.
Coding change: c.4657C>T on transcript NM_004187.5 (MANE Select); coding-DNA position 4657, C replaced by T.
Protein change: p.Gln1553Ter; replaces glutamine 1553 with a stop codon.
Molecular consequence: nonsense. On other transcripts: intron variant (5).
Genome position (GRCh38, 1-based): chrX:53,192,993, G>A on the plus strand (C>T on the coding strand, the complement: KDM5C is on the minus strand). VCF-style: chrX-53192993-G-A. GRCh37 (hg19) VCF-style: chrX-53222175-G-A.
Other names: c.4654C>T, p.Gln1552Ter (NM_001282622.3); c.4648C>T, p.Gln1550Ter (NM_001353978.3); c.4305+444C>T (NM_001353982.2); c.4314+444C>T (NM_001353979.2); c.4308+444C>T (NM_001353981.2, NM_001353984.2); c.4047-156C>T (NM_001146702.2); short protein forms Q1553*, Q1550*, Q1552*.
Identifiers: ClinVar variation 4076865 (VCV004076865.1).
Genomic context (GRCh38, chrX:53,192,993, plus strand): 5'-TCTCTGTCAGGGTCTGTGCTAGGCTCAGCCACTGTCACAACTGTTGCTGAGGCGGCTGCT[G>A]TGGGCAGGGCAGATGCAGCCGGGGAGTCAGAGTGGAGAAAGGGGCCGAGGGGCCTGAAGT-3'